The following is an entry in ClinVar:

ClinVar aggregate classification (germline): Uncertain significance (1 of 4 stars; one submission).

gnomAD v4.1: 3 of 1,609,916 alleles (0.00019%); highest among the groups gnomAD compares: South Asian, 0.0022%; no homozygotes.

Submission:

Labcorp Genetics (formerly Invitae), Labcorp
Classification: Uncertain significance. Last evaluated: 2024-04-03. Review status: criteria provided, single submitter. Criteria: Invitae Variant Classification Sherloc (09022015). Collection method: clinical testing. Allele origin: germline.
Comment: This sequence change replaces proline, which is neutral and non-polar, with alanine, which is neutral and non-polar, at codon 1249 of the SON protein (p.Pro1249Ala). This variant is present in population databases (no rsID available, gnomAD 0.003%). This variant has not been reported in the literature in individuals affected with SON-related conditions. Algorithms developed to predict the effect of missense changes on protein structure and function output the following: SIFT: "Not Available"; PolyPhen-2: "Benign"; Align-GVGD: "Not Available". The alanine amino acid residue is found in multiple mammalian species, which suggests that this missense change does not adversely affect protein function. In summary, the available evidence is currently insufficient to determine the role of this variant in disease. Therefore, it has been classified as a Variant of Uncertain Significance.

NM_138927.4(SON):c.3745C>G (p.Pro1249Ala)

Gene: SON (SON DNA and RNA binding protein; plus strand). Cytogenetic location: 21q22.11.
Variant type: single nucleotide variant.
Coding change: c.3745C>G on transcript NM_138927.4 (MANE Select); coding-DNA position 3745, C replaced by G.
Protein change: p.Pro1249Ala; replaces proline 1249 with alanine.
Molecular consequence: missense variant. On other transcripts: non-coding transcript variant (1), intron variant (1).
Genome position (GRCh38, 1-based): chr21:33,552,976, C>G. VCF-style: chr21-33552976-C-G. GRCh37 (hg19) VCF-style: chr21-34925282-C-G.
Other names: c.3745C>G, p.Pro1249Ala (NM_001291411.2, NM_032195.3); c.245-4180C>G (NM_001291412.3); short protein forms P1249A.
Identifiers: ClinVar variation 3690848 (VCV003690848.2).